The following is an entry in ClinVar:

NM_003722.5(TP63):c.1123A>G (p.Lys375Glu)

Gene: TP63 (tumor protein p63; plus strand). Cytogenetic location: 3q28.
Variant type: single nucleotide variant.
Coding change: c.1123A>G on transcript NM_003722.5 (MANE Select); coding-DNA position 1123, A replaced by G.
Protein change: p.Lys375Glu; replaces lysine 375 with glutamic acid.
Molecular consequence: missense variant. On other transcripts: intron variant (3).
Genome position (GRCh38, 1-based): chr3:189,868,710, A>G. VCF-style: chr3-189868710-A-G. GRCh37 (hg19) VCF-style: chr3-189586499-A-G.
Other names: c.1123A>G, p.Lys375Glu (NM_001114978.2, NM_001114979.2, NM_001329144.2); c.841A>G, p.Lys281Glu (NM_001114980.2, NM_001114981.2, NM_001114982.2 and 1 more transcripts); c.586A>G, p.Lys196Glu (NM_001329146.2); c.1117A>G, p.Lys373Glu (NM_001329964.2); c.1117+6A>G (NM_001329148.2); c.835+6A>G (NM_001329149.2); c.580+6A>G (NM_001329150.2); short protein forms K196E, K281E, K373E, K375E.
Identifiers: ClinVar variation 4527445 (VCV004527445.1).

ClinVar aggregate classification (germline): Uncertain significance (1 of 4 stars; one submission).

Submission:

GeneDx
Classification: Uncertain significance. Last evaluated: 2025-04-25. Review status: criteria provided, single submitter. Criteria: GeneDx Variant Classification Process June 2021. Collection method: clinical testing. Allele origin: germline. Affected: yes.
Comment: Not observed at significant frequency in large population cohorts (gnomAD); In silico analysis supports that this missense variant has a deleterious effect on protein structure/function; Has not been previously published as pathogenic or benign to our knowledge